The following is an entry in ClinVar:

NM_001813.3(CENPE):c.4063A>G (p.Lys1355Glu)

Gene: CENPE (centromere protein E; minus strand). Cytogenetic location: 4q24.
Variant type: single nucleotide variant.
Coding change: c.4063A>G on transcript NM_001813.3 (MANE Select); coding-DNA position 4063, A replaced by G.
Protein change: p.Lys1355Glu; replaces lysine 1355 with glutamic acid.
Molecular consequence: missense variant.
Genome position (GRCh38, 1-based): chr4:103,147,427, T>C on the plus strand (A>G on the coding strand, the complement: CENPE is on the minus strand). VCF-style: chr4-103147427-T-C. GRCh37 (hg19) VCF-style: chr4-104068584-T-C.
Other names: c.3988A>G, p.Lys1330Glu (NM_001286734.2); short protein forms K1355E, K1330E.
Identifiers: ClinVar variation 157498 (VCV000157498.7), dbSNP rs141488085, ClinGen allele CA210897.

ClinVar aggregate classification (germline): Uncertain significance. Review status: criteria provided, multiple submitters, no conflicts (2 of 4 stars). 4 submissions from 4 submitters: Uncertain significance (3). 1 of the submissions does not count toward it. Last evaluated 2025-06-19.

Conditions:
Microcephaly 13, primary, autosomal recessive. Identifiers: Orphanet 808, MedGen C4015080, MONDO:0014473, OMIM 616051.

Allele frequency attached by ClinVar (database versions not stated): ESP Exome Variant Server 0.00031; gnomAD 0.00034; ExAC 0.00023; gnomAD exomes 0.00033 and 0.00016; TOPMed 0.00032.
gnomAD v4.1: 307 of 1,613,980 alleles (0.019%); highest among the groups gnomAD compares: Middle Eastern, 0.1%; 1 homozygote.

Submissions (4):

Women's Health and Genetics/Laboratory Corporation of America, LabCorp
Classification: Uncertain significance. Last evaluated: 2025-06-19. Review status: criteria provided, single submitter. Criteria: LabCorp Variant Classification Summary - May 2015. Collection method: clinical testing. Allele origin: germline.
Comment: Variant summary: CENPE c.4063A>G (p.Lys1355Glu) results in a conservative amino acid change in the encoded protein sequence. Algorithms developed to predict the effect of missense changes on protein structure and function all suggest that this variant is likely to be tolerated. The variant allele was found at a frequency of 0.00019 in 1613980 control chromosomes in the gnomAD database, including 1 homozygote. This frequency is not significantly higher than estimated for a pathogenic variant in CENPE causing Microcephaly 13, Primary, Autosomal Recessive, allowing no conclusion about variant significance. c.4063A>G has been observed in the compound heterozygous state in two siblings affected with microcephalic primordial dwarfism (Mirzaa_2014). These data indicate that the variant may be associated with disease. At least one publication reports experimental evidence evaluating an impact on protein function, however, does not allow convincing conclusions about the variant effect (Mirzaa_2014). The following publication have been ascertained in the context of this evaluation (PMID: 24748105). ClinVar contains an entry for this variant (Variation ID: 157498). Based on the evidence outlined above, the variant was classified as VUS-possibly pathogenic.

Genomic Medicine Center of Excellence, King Faisal Specialist Hospital and Research Centre
Classification: Uncertain significance for Microcephaly 13, primary, autosomal recessive. Last evaluated: 2024-09-22. Review status: criteria provided, single submitter. Criteria: ACMG Guidelines, 2015. Collection method: clinical testing. Allele origin: germline.

GeneDx
Classification: Uncertain significance. Last evaluated: 2022-07-15. Review status: criteria provided, single submitter. Criteria: GeneDx Variant Classification Process June 2021. Collection method: clinical testing. Allele origin: germline. Affected: yes.
Comment: Observed with a variant on the opposite allele (in trans) in a patient with microcephalic primordial dwarfism in the published literature (Mirzaa et al., 2014); In silico analysis supports that this missense variant does not alter protein structure/function; This variant is associated with the following publications: (PMID: 34426522, 22974711, 24748105)

OMIM
Classification: Pathogenic for MICROCEPHALY 13, PRIMARY, AUTOSOMAL RECESSIVE (1 family). Last evaluated: 2014-08-01. Review status: no assertion criteria provided. Collection method: literature only. Allele origin: germline. Not counted in ClinVar's aggregate classification.

Literature cited by the submitters: PubMed 24748105 (cited by Women's Health and Genetics/Laboratory Corporation of America, LabCorp and OMIM).